The following is an entry in ClinVar:

ClinVar aggregate classification (germline): Uncertain significance. Review status: criteria provided, multiple submitters, no conflicts (2 of 4 stars). 3 submissions from 3 submitters: Uncertain significance (3). Last evaluated 2024-07-11.

Conditions:
Hereditary cancer-predisposing syndrome. Also called: Tumor predisposition; Hereditary Cancer Syndrome; Neoplastic Syndromes, Hereditary; Hereditary neoplastic syndrome. Identifiers: Orphanet 140162, MedGen C0027672, MeSH D009386, MONDO:0015356.
Hereditary nonpolyposis colorectal neoplasms. Identifiers: MedGen C0009405, MeSH D003123.

Submissions (3):

Ambry Genetics
Classification: Uncertain significance for Hereditary cancer-predisposing syndrome. Last evaluated: 2024-07-11. Review status: criteria provided, single submitter. Criteria: Ambry Variant Classification Scheme 2023. Collection method: clinical testing. Allele origin: germline.
Comment: The p.P848S variant (also known as c.2542C>T), located in coding exon 15 of the PMS2 gene, results from a C to T substitution at nucleotide position 2542. The proline at codon 848 is replaced by serine, an amino acid with similar properties. This amino acid position is highly conserved in available vertebrate species. In addition, this alteration is predicted to be deleterious by in silico analysis. Based on the available evidence, the clinical significance of this variant remains unclear.

Color Diagnostics, LLC DBA Color Health
Classification: Uncertain significance for Hereditary cancer-predisposing syndrome. Last evaluated: 2024-03-06. Review status: criteria provided, single submitter. Criteria: ACMG Guidelines, 2015. Collection method: clinical testing. Allele origin: germline.
Comment: This missense variant replaces proline with serine at codon 848 of the PMS2 protein. Computational prediction suggests that this variant may have deleterious impact on protein structure and function (internally defined REVEL score threshold >= 0.7, PMID: 27666373). To our knowledge, functional studies have not been reported for this variant. This variant has not been reported in individuals affected with hereditary cancer in the literature. This variant has not been identified in the general population by the Genome Aggregation Database (gnomAD). The available evidence is insufficient to determine the role of this variant in disease conclusively. Therefore, this variant is classified as a Variant of Uncertain Significance.

Labcorp Genetics (formerly Invitae), Labcorp
Classification: Uncertain significance for Hereditary nonpolyposis colorectal neoplasms. Last evaluated: 2022-12-03. Review status: criteria provided, single submitter. Criteria: Invitae Variant Classification Sherloc (09022015). Collection method: clinical testing. Allele origin: germline.
Comment: In summary, the available evidence is currently insufficient to determine the role of this variant in disease. Therefore, it has been classified as a Variant of Uncertain Significance. Advanced modeling of protein sequence and biophysical properties (such as structural, functional, and spatial information, amino acid conservation, physicochemical variation, residue mobility, and thermodynamic stability) performed at Invitae indicates that this missense variant is expected to disrupt PMS2 protein function. This variant has not been reported in the literature in individuals affected with PMS2-related conditions. The frequency data for this variant in the population databases (gnomAD) is considered unreliable due to the presence of homologous sequence, such as pseudogenes or paralogs, in the genome. This sequence change replaces proline, which is neutral and non-polar, with serine, which is neutral and polar, at codon 848 of the PMS2 protein (p.Pro848Ser).

NM_000535.7(PMS2):c.2542C>T (p.Pro848Ser)

Gene: PMS2 (PMS1 homolog 2, mismatch repair system component; minus strand). Cytogenetic location: 7p22.1.
Variant type: single nucleotide variant.
Coding change: c.2542C>T on transcript NM_000535.7 (MANE Select); coding-DNA position 2542, C replaced by T.
Protein change: p.Pro848Ser; replaces proline 848 with serine.
Molecular consequence: missense variant. On other transcripts: non-coding transcript variant (1).
Genome position (GRCh38, 1-based): chr7:5,973,446, G>A on the plus strand (C>T on the coding strand, the complement: PMS2 is on the minus strand). VCF-style: chr7-5973446-G-A. GRCh37 (hg19) VCF-style: chr7-6013077-G-A.
Other names: c.2137C>T, p.Pro713Ser (NM_001018040.1, NM_001322003.2, NM_001322004.2 and 12 more transcripts); c.2386C>T, p.Pro796Ser (NM_001322006.2); c.2224C>T, p.Pro742Ser (NM_001322007.2, NM_001322008.2, NM_001406883.1); c.2170C>T, p.Pro724Ser (NM_001322009.2, NM_001406887.1, NM_001406888.1); c.1981C>T, p.Pro661Ser (NM_001322010.2, NM_001406906.1, NM_001406907.1); c.1609C>T, p.Pro537Ser (NM_001322011.2, NM_001322012.2); c.1969C>T, p.Pro657Ser (NM_001322013.2, NM_001406908.1, NM_001406909.1); c.2575C>T, p.Pro859Ser (NM_001322014.2); and 20 more; short protein forms P447S, P686S, P724S, P745S, P753S, P792S, P796S, P800S.
Identifiers: ClinVar variation 1792847 (VCV001792847.8), dbSNP rs2128657321, ClinGen allele CA366734831.